The following is an entry in ClinVar:

ClinVar aggregate classification (germline): Conflicting classifications of pathogenicity. Review status: criteria provided, conflicting classifications (1 of 4 stars). 4 submissions from 4 submitters: Uncertain significance (3); Likely benign (1). Last evaluated 2024-08-29.

Conditions:
Familial thoracic aortic aneurysm and aortic dissection (TAAD). Also called: Thoracic aortic aneurysms and dissections. Identifiers: Orphanet 91387, MedGen C4707243, MONDO:0019625.
Ehlers-Danlos syndrome, type 4 (EDSVASC). Also called: Ehlers-Danlos Syndrome Type IV; Ehlers-Danlos syndrome vascular type; Ehlers Danlos syndrome, ecchymotic type; Ehlers Danlos syndrome, arterial type; Ehlers Danlos syndrome, Sack-Barabas type. Identifiers: Orphanet 286, MedGen C0268338, MONDO:0017314, OMIM 130050.

Allele frequency attached by ClinVar (database versions not stated): gnomAD exomes below 0.00001; gnomAD 0.00001.
gnomAD v4.1: 3 of 1,613,830 alleles (0.00019%); highest among the groups gnomAD compares: East Asian, 0.0067%; no homozygotes.

Submissions (4):

Labcorp Genetics (formerly Invitae), Labcorp
Classification: Uncertain significance for Ehlers-Danlos syndrome, type 4. Last evaluated: 2024-08-29. Review status: criteria provided, single submitter. Criteria: Invitae Variant Classification Sherloc (09022015). Collection method: clinical testing. Allele origin: germline.
Comment: This sequence change replaces proline, which is neutral and non-polar, with alanine, which is neutral and non-polar, at codon 1123 of the COL3A1 protein (p.Pro1123Ala). This variant is present in population databases (no rsID available, gnomAD 0.01%). This variant has not been reported in the literature in individuals affected with COL3A1-related conditions. Invitae Evidence Modeling of protein sequence and biophysical properties (such as structural, functional, and spatial information, amino acid conservation, physicochemical variation, residue mobility, and thermodynamic stability) indicates that this missense variant is not expected to disrupt COL3A1 protein function with a negative predictive value of 95%. In summary, the available evidence is currently insufficient to determine the role of this variant in disease. Therefore, it has been classified as a Variant of Uncertain Significance.

Color Diagnostics, LLC DBA Color Health
Classification: Uncertain significance for Familial thoracic aortic aneurysm and aortic dissection. Last evaluated: 2024-03-06. Review status: criteria provided, single submitter. Criteria: ACMG Guidelines, 2015. Collection method: clinical testing. Allele origin: germline.
Comment: This missense variant replaces proline with alanine at codon 1123 of the COL3A1 protein. Computational prediction suggests that this variant may not impact protein structure and function (internally defined REVEL score threshold <= 0.5, PMID: 27666373). To our knowledge, functional studies have not been reported for this variant. This variant has not been reported in individuals affected with cardiovascular disorders in the literature. This variant has been identified in 2/282730 chromosomes in the general population by the Genome Aggregation Database (gnomAD). The available evidence is insufficient to determine the role of this variant in disease conclusively. Therefore, this variant is classified as a Variant of Uncertain Significance.

All of Us Research Program, National Institutes of Health
Classification: Uncertain significance for Ehlers-Danlos syndrome, type 4. Last evaluated: 2024-03-05. Review status: criteria provided, single submitter. Criteria: ACMG Guidelines, 2015. Collection method: clinical testing. Allele origin: germline. Inheritance: Autosomal dominant inheritance. Observed: 3 variant alleles, 3 heterozygotes.
Comment: This missense variant replaces proline with alanine at codon 1123 of the COL3A1 protein. Computational prediction suggests that this variant may not impact protein structure and function (internally defined REVEL score threshold <= 0.5, PMID: 27666373). To our knowledge, functional studies have not been reported for this variant. This variant has not been reported in individuals affected with cardiovascular disorders in the literature. This variant has been identified in 2/282730 chromosomes in the general population by the Genome Aggregation Database (gnomAD). The available evidence is insufficient to determine the role of this variant in disease conclusively. Therefore, this variant is classified as a Variant of Uncertain Significance.

This study involves interpretation of variants in research participants for the purpose of population health screening. Participant phenotype was not available at the time of variant classification. Additional details can be found in publication PMID: 35346344, PMCID: PMC8962531

Blueprint Genetics
Classification: Likely benign. Last evaluated: 2019-06-07. Review status: criteria provided, single submitter. Criteria: ACMG Guidelines, 2015. Collection method: clinical testing. Allele origin: germline.

NM_000090.4(COL3A1):c.3367C>G (p.Pro1123Ala)

Gene: COL3A1 (collagen type III alpha 1 chain; plus strand). Cytogenetic location: 2q32.2.
Variant type: single nucleotide variant.
Coding change: c.3367C>G on transcript NM_000090.4 (MANE Select); coding-DNA position 3367, C replaced by G.
Protein change: p.Pro1123Ala; replaces proline 1123 with alanine.
Molecular consequence: missense variant.
Genome position (GRCh38, 1-based): chr2:189,007,888, C>G. VCF-style: chr2-189007888-C-G. GRCh37 (hg19) VCF-style: chr2-189872614-C-G.
Other names: short protein forms P1123A.
Identifiers: ClinVar variation 2775149 (VCV002775149.6), dbSNP rs1232623703, ClinGen allele CA349846017.